The following is an entry in ClinVar:

ClinVar aggregate classification (germline): Benign/Likely benign. Review status: criteria provided, multiple submitters, no conflicts (2 of 4 stars). 2 submissions from 2 submitters: Benign (1); Likely benign (1). Last evaluated 2024-09-03.

Conditions:
Hereditary cancer-predisposing syndrome. Also called: Neoplastic Syndromes, Hereditary; Tumor predisposition; Hereditary Cancer Syndrome; Hereditary neoplastic syndrome. Identifiers: Orphanet 140162, MedGen C0027672, MeSH D009386, MONDO:0015356.
Familial cancer of breast. Also called: BREAST CANCER, FAMILIAL; Hereditary breast cancer; hereditary breast carcinoma. Identifiers: Orphanet 227535, MedGen C0346153, MONDO:0016419, OMIM 114480. Disease mechanism: loss of function.

Submissions (2):

Myriad Genetics, Inc.
Classification: Benign for Familial cancer of breast. Last evaluated: 2024-09-03. Review status: criteria provided, single submitter. Criteria: Myriad Autosomal Dominant, Autosomal Recessive and X-Linked Classification Criteria (2023). Collection method: clinical testing. Allele origin: unknown.
Comment: This variant is considered benign. This variant is a silent/synonymous amino acid change and it is not expected to impact splicing.

Ambry Genetics
Classification: Likely benign for Hereditary cancer-predisposing syndrome. Last evaluated: 2017-04-18. Review status: criteria provided, single submitter. Criteria: Ambry Variant Classification Scheme 2023. Collection method: clinical testing. Allele origin: germline.

NM_032043.3(BRIP1):c.2223G>A (p.Val741=)

Gene: BRIP1 (BRCA1 interacting DNA helicase 1; minus strand). Cytogenetic location: 17q23.2.
Variant type: single nucleotide variant.
Coding change: c.2223G>A on transcript NM_032043.3 (MANE Select); coding-DNA position 2223, G replaced by A.
Protein change: p.Val741=; no amino-acid change (valine 741 retained).
Molecular consequence: synonymous variant.
Genome position (GRCh38, 1-based): chr17:61,744,466, C>T on the plus strand (G>A on the coding strand, the complement: BRIP1 is on the minus strand). VCF-style: chr17-61744466-C-T. GRCh37 (hg19) VCF-style: chr17-59821827-C-T.
Identifiers: ClinVar variation 483200 (VCV000483200.6), dbSNP rs1057522996, ClinGen allele CA501151237.
Genomic context (GRCh38, chr17:61,744,466, plus strand): 5'-CCGACCATGAAATAATTTCCAGTTACCTTTCTCTCCTTTGTATTTGATTGCGTCATAGTA[C>T]ACCTGCAGTAATTCATCAAAATTTGTTTTTTCTCCTCCCTGTGGTTCTACAATGACTGTC-3'
Protein context (NP_114432.2, residues 731-751): EKTNFDELLQ[Val741=]YYDAIKYKGE